The following is an entry in ClinVar:

ClinVar aggregate classification (germline): Uncertain significance. Review status: criteria provided, multiple submitters, no conflicts (2 of 4 stars). 2 submissions from 2 submitters: Uncertain significance (2). Last evaluated 2023-11-27.

Conditions:
Inborn genetic diseases. Identifiers: MedGen C0950123, MeSH D030342.

Allele frequency attached by ClinVar (database versions not stated): gnomAD exomes below 0.00001; TOPMed below 0.00001.
gnomAD v4.1: 2 of 1,613,896 alleles (0.00012%); highest among the groups gnomAD compares: Non-Finnish European, 0.000085%; no homozygotes.

Submissions (2):

Labcorp Genetics (formerly Invitae), Labcorp
Classification: Uncertain significance. Last evaluated: 2023-11-27. Review status: criteria provided, single submitter. Criteria: Invitae Variant Classification Sherloc (09022015). Collection method: clinical testing. Allele origin: germline.
Comment: This sequence change replaces proline, which is neutral and non-polar, with serine, which is neutral and polar, at codon 794 of the AP3B2 protein (p.Pro794Ser). This variant is not present in population databases (gnomAD no frequency). This variant has not been reported in the literature in individuals affected with AP3B2-related conditions. ClinVar contains an entry for this variant (Variation ID: 1487034). An algorithm developed to predict the effect of missense changes on protein structure and function (PolyPhen-2) suggests that this variant is likely to be disruptive. In summary, the available evidence is currently insufficient to determine the role of this variant in disease. Therefore, it has been classified as a Variant of Uncertain Significance.

Ambry Genetics
Classification: Uncertain significance for Inborn genetic diseases. Last evaluated: 2023-07-27. Review status: criteria provided, single submitter. Criteria: Ambry Variant Classification Scheme 2023. Collection method: clinical testing. Allele origin: germline.

NM_001278512.2(AP3B2):c.2437C>T (p.Pro813Ser)

Genes: AP3B2 (adaptor related protein complex 3 subunit beta 2; minus strand), CPEB1-AS1 (CPEB1 antisense RNA 1; plus strand). Cytogenetic location: 15q25.2.
Variant type: single nucleotide variant.
Coding change: c.2437C>T on transcript NM_001278512.2 (MANE Select); coding-DNA position 2437, C replaced by T.
Protein change: p.Pro813Ser; replaces proline 813 with serine.
Molecular consequence: missense variant.
Genome position (GRCh38, 1-based): chr15:82,663,620, G>A on the plus strand (C>T on the coding strand, the complement: AP3B2 is on the minus strand). VCF-style: chr15-82663620-G-A. GRCh37 (hg19) VCF-style: chr15-83332372-G-A.
Other names: c.2284C>T, p.Pro762Ser (NM_001278511.2); c.2380C>T, p.Pro794Ser (NM_004644.5); c.2380C>T (NM_004644.3); short protein forms P762S, P813S, P794S.
Identifiers: ClinVar variation 1487034 (VCV001487034.8), dbSNP rs1311655950, ClinGen allele CA393310268.